The following is an entry in ClinVar:

NM_001849.4(COL6A2):c.2470G>A (p.Val824Met)

Gene: COL6A2 (collagen type VI alpha 2 chain; plus strand). Cytogenetic location: 21q22.3.
Variant type: single nucleotide variant.
Coding change: c.2470G>A on transcript NM_001849.4 (MANE Select); coding-DNA position 2470, G replaced by A.
Protein change: p.Val824Met; replaces valine 824 with methionine.
Molecular consequence: missense variant.
Genome position (GRCh38, 1-based): chr21:46,131,962, G>A. VCF-style: chr21-46131962-G-A. GRCh37 (hg19) VCF-style: chr21-47551876-G-A.
Other names: short protein forms V824M.
Identifiers: ClinVar variation 476470 (VCV000476470.13), dbSNP rs758758266, ClinGen allele CA10072899.
Genomic context (GRCh38, chr21:46,131,962, plus strand): 5'-CCGGTCCTGCCCACCTCCCCTCCGCCCAGCCCGCACCTGCGTCTCCCCACAGAGCTGTCC[G>A]TGGCACAGTGCACGCAGCGGCCCGTGGACATCGTCTTCCTGCTGGACGGCTCCGAGCGGC-3'
Protein context (NP_001840.3, residues 814-834): PDLPCQTELS[Val824Met]AQCTQRPVDI

ClinVar aggregate classification (germline): Conflicting classifications of pathogenicity. Review status: criteria provided, conflicting classifications (1 of 4 stars). 5 submissions from 4 submitters: Uncertain significance (4); Benign (1). Last evaluated 2026-01-25.

Conditions:
Collagen 6-related myopathy. Identifiers: MedGen CN117976, MONDO:0100225.
Bethlem myopathy 1A. Also called: Bethlem Muscular Dystrophy; MYOPATHY, BENIGN CONGENITAL, WITH CONTRACTURES; Bethlem myopathy 1. Identifiers: Orphanet 610, MedGen CN029274, MONDO:0024530, OMIM 158810.
Myosclerosis. Also called: Myosclerosis, congenital; MYOPATHY, MYOSCLEROTIC; MYOSCLEROSIS, CONGENITAL, OF LOWENTHAL. Identifiers: Orphanet 289380, MedGen C1850671, MONDO:0009714, OMIM 255600.

Allele frequency attached by ClinVar (database versions not stated): TOPMed 0.00012; gnomAD 0.00013; ExAC 0.00029.
gnomAD v4.1: 154 of 1,603,456 alleles (0.0096%); highest among the groups gnomAD compares: Middle Eastern, 0.05%; no homozygotes.

Submissions (5):

Labcorp Genetics (formerly Invitae), Labcorp
Classification: Benign for Bethlem myopathy 1A. Last evaluated: 2026-01-25. Review status: criteria provided, single submitter. Criteria: Invitae Variant Classification Sherloc (09022015). Collection method: clinical testing. Allele origin: germline.

Revvity Omics, Revvity
Classification: Uncertain significance. Last evaluated: 2024-07-02. Review status: criteria provided, single submitter. Criteria: ACMG Guidelines, 2015. Collection method: clinical testing. Allele origin: germline.

GeneDx
Classification: Uncertain significance. Last evaluated: 2022-11-25. Review status: criteria provided, single submitter. Criteria: GeneDx Variant Classification Process June 2021. Collection method: clinical testing. Allele origin: germline. Affected: yes.
Comment: In silico analysis supports that this missense variant does not alter protein structure/function; Has not been previously published as pathogenic or benign in association with myopathy or muscular dystrophy to our knowledge; This variant is associated with the following publications: (PMID: 27456059)

Illumina Laboratory Services, Illumina
Classification: Uncertain significance for Myosclerosis. Last evaluated: 2017-04-28. Review status: criteria provided, single submitter. Criteria: ICSL Variant Classification Criteria 13 December 2019. Collection method: clinical testing. Allele origin: germline.
Comment: This variant was observed as part of a predisposition screen in an ostensibly healthy population. A literature search was performed for the gene, cDNA change, and amino acid change (where applicable). Publications were found based on this search. However, the evidence from the literature, in combination with allele frequency data from public databases where available, was not sufficient to rule this variant in or out of causing disease. Therefore, this variant is classified as a variant of unknown significance.

Illumina Laboratory Services, Illumina
Classification: Uncertain significance for Collagen VI-related myopathy. Last evaluated: 2017-04-28. Review status: criteria provided, single submitter. Criteria: ICSL Variant Classification Criteria 13 December 2019. Collection method: clinical testing. Allele origin: germline.
Comment: the same text as in the submission from Illumina Laboratory Services, Illumina above.

Literature cited by the submitters: PubMed 27456059 (cited by Illumina Laboratory Services, Illumina).